The following is an entry in ClinVar:

NM_001042492.3(NF1):c.61C>A (p.Leu21Ile)

Gene: NF1 (neurofibromin 1; plus strand). Cytogenetic location: 17q11.2.
Variant type: single nucleotide variant.
Coding change: c.61C>A on transcript NM_001042492.3 (MANE Select); coding-DNA position 61, C replaced by A.
Protein change: p.Leu21Ile; replaces leucine 21 with isoleucine.
Molecular consequence: missense variant.
Genome position (GRCh38, 1-based): chr17:31,155,983, C>A. VCF-style: chr17-31155983-C-A. GRCh37 (hg19) VCF-style: chr17-29483001-C-A.
Other names: c.61C>A, p.Leu21Ile (NM_000267.4, NM_001128147.3); short protein forms L21I.
Identifiers: ClinVar variation 1752164 (VCV001752164.2), dbSNP rs779453629, ClinGen allele CA398988008.

ClinVar aggregate classification (germline): Uncertain significance (1 of 4 stars; one submission).

Conditions:
Cardiovascular phenotype. Identifiers: MedGen CN230736.
Hereditary cancer-predisposing syndrome. Also called: Hereditary Cancer Syndrome; Hereditary neoplastic syndrome; Neoplastic Syndromes, Hereditary; Tumor predisposition. Identifiers: Orphanet 140162, MedGen C0027672, MeSH D009386, MONDO:0015356.

Submission:

Ambry Genetics
Classification: Uncertain significance for Cardiovascular phenotype; Hereditary cancer-predisposing syndrome. Last evaluated: 2021-12-07. Review status: criteria provided, single submitter. Criteria: Ambry Variant Classification Scheme 2023. Collection method: clinical testing. Allele origin: germline.
Comment: The p.L21I variant (also known as c.61C>A), located in coding exon 2 of the NF1 gene, results from a C to A substitution at nucleotide position 61. This variant impacts the first base pair of coding exon 2. The leucine at codon 21 is replaced by isoleucine, an amino acid with highly similar properties. This amino acid position is highly conserved in available vertebrate species. In addition, the in silico prediction for this alteration is inconclusive. Since supporting evidence is limited at this time, the clinical significance of this alteration remains unclear.